The following is an entry in ClinVar:

NM_006904.7(PRKDC):c.11315A>G (p.Asn3772Ser)

Gene: PRKDC (protein kinase, DNA-activated, catalytic subunit; minus strand). Cytogenetic location: 8q11.21.
Variant type: single nucleotide variant.
Coding change: c.11315A>G on transcript NM_006904.7 (MANE Select); coding-DNA position 11315, A replaced by G.
Protein change: p.Asn3772Ser; replaces asparagine 3772 with serine.
Molecular consequence: missense variant.
Genome position (GRCh38, 1-based): chr8:47,782,459, T>C on the plus strand (A>G on the coding strand, the complement: PRKDC is on the minus strand). VCF-style: chr8-47782459-T-C. GRCh37 (hg19) VCF-style: chr8-48695020-T-C.
Other names: c.11315A>G, p.Asn3772Ser (NM_001081640.2); short protein forms N3772S.
Identifiers: ClinVar variation 1717686 (VCV001717686.5), dbSNP rs2551860403, ClinGen allele CA371129869.
Genomic context (GRCh38, chr8:47,782,459, plus strand): 5'-CTATAGGTCCTCAGCTGCAGGGCCCTCTGGCTGCAGGCGGAGTCTTGGGCCAGGATCCCA[T>C]TCATGACCTGGAAGAGCTGCTCCACGCGCTGGTCCTGCCGCAGGTCCTCGCCACCCTTCA-3'
Protein context (NP_008835.5, residues 3762-3782): QRVEQLFQVM[Asn3772Ser]GILAQDSACS

ClinVar aggregate classification (germline): Uncertain significance (1 of 4 stars; one submission).

Conditions:
Severe combined immunodeficiency due to DNA-PKcs deficiency. Also called: IMMUNODEFICIENCY 26 WITH NEUROLOGIC ABNORMALITIES; Immunodeficiency 26 with or without neurologic abnormalities. Identifiers: Orphanet 317425, MedGen C4014833, MONDO:0014423, OMIM 615966.

Submission:

Labcorp Genetics (formerly Invitae), Labcorp
Classification: Uncertain significance for Severe combined immunodeficiency due to DNA-PKcs deficiency. Last evaluated: 2022-08-22. Review status: criteria provided, single submitter. Criteria: Invitae Variant Classification Sherloc (09022015). Collection method: clinical testing. Allele origin: germline.
Comment: In summary, the available evidence is currently insufficient to determine the role of this variant in disease. Therefore, it has been classified as a Variant of Uncertain Significance. Experimental studies and prediction algorithms are not available or were not evaluated, and the functional significance of this variant is currently unknown. This variant has not been reported in the literature in individuals affected with PRKDC-related conditions. This variant is not present in population databases (gnomAD no frequency). This sequence change replaces asparagine, which is neutral and polar, with serine, which is neutral and polar, at codon 3772 of the PRKDC protein (p.Asn3772Ser).